The following is an entry in ClinVar:

ClinVar aggregate classification (germline): Likely benign. Review status: criteria provided, multiple submitters, no conflicts (2 of 4 stars). 4 submissions from 4 submitters: Likely benign (3). 1 of the submissions does not count toward it. Last evaluated 2025-05-09.

Conditions:
VCAN-related disorder. Also called: VCAN-related condition.

Allele frequency attached by ClinVar (database versions not stated): ExAC 0.00002; gnomAD exomes 0.00004 and 0.00008; gnomAD 0.00005 and 0.00006; TOPMed 0.00005.
gnomAD v4.1: 115 of 1,614,064 alleles (0.0071%); highest among the groups gnomAD compares: Non-Finnish European, 0.0096%; no homozygotes.

Submissions (4):

Labcorp Genetics (formerly Invitae), Labcorp
Classification: Likely benign. Last evaluated: 2025-05-09. Review status: criteria provided, single submitter. Criteria: Invitae Variant Classification Sherloc (09022015). Collection method: clinical testing. Allele origin: germline.

Blueprint Genetics
Classification: Likely benign. Last evaluated: 2024-02-23. Review status: criteria provided, single submitter. Criteria: ACMG Guidelines, 2015. Collection method: clinical testing. Allele origin: germline.

CeGaT Center for Human Genetics Tuebingen
Classification: Likely benign. Last evaluated: 2022-10-01. Review status: criteria provided, single submitter. Criteria: CeGaT Center For Human Genetics Tuebingen Variant Classification Criteria Version 2. Collection method: clinical testing. Allele origin: germline. Affected: yes. Observed: 1 variant allele.
Comment: VCAN: BP4, BP7

PreventionGenetics, part of Exact Sciences
Classification: Likely benign for VCAN-related condition. Last evaluated: 2023-05-05. Review status: no assertion criteria provided. Collection method: clinical testing. Allele origin: germline. Not counted in ClinVar's aggregate classification.
Comment: This variant is classified as likely benign based on ACMG/AMP sequence variant interpretation guidelines (Richards et al. 2015 PMID: 25741868, with internal and published modifications).

NM_004385.5(VCAN):c.2784A>G (p.Val928=)

Gene: VCAN (versican; plus strand). Cytogenetic location: 5q14.3.
Variant type: single nucleotide variant.
Coding change: c.2784A>G on transcript NM_004385.5 (MANE Select); coding-DNA position 2784, A replaced by G.
Protein change: p.Val928=; no amino-acid change (valine 928 retained).
Molecular consequence: synonymous variant. On other transcripts: intron variant (2).
Genome position (GRCh38, 1-based): chr5:83,521,090, A>G. VCF-style: chr5-83521090-A-G. GRCh37 (hg19) VCF-style: chr5-82816909-A-G.
Other names: c.2784A>G, p.Val928= (NM_001164098.2); c.1042+8694A>G (NM_001164097.2, NM_001126336.3); c.2784A>G (NM_004385.4).
Identifiers: ClinVar variation 1101149 (VCV001101149.34), dbSNP rs759371442, ClinGen allele CA3332897.